The following is an entry in ClinVar:

NM_000440.3(PDE6A):c.2095C>A (p.Gln699Lys)

Gene: PDE6A (phosphodiesterase 6A; minus strand). Cytogenetic location: 5q32.
Variant type: single nucleotide variant.
Coding change: c.2095C>A on transcript NM_000440.3 (MANE Select); coding-DNA position 2095, C replaced by A.
Protein change: p.Gln699Lys; replaces glutamine 699 with lysine.
Molecular consequence: missense variant.
Genome position (GRCh38, 1-based): chr5:149,883,469, G>T on the plus strand (C>A on the coding strand, the complement: PDE6A is on the minus strand). VCF-style: chr5-149883469-G-T. GRCh37 (hg19) VCF-style: chr5-149263032-G-T.
Other names: c.2095C>A (NM_000440.2); short protein forms Q699K.
Identifiers: ClinVar variation 1487650 (VCV001487650.8), dbSNP rs781169571, ClinGen allele CA3504413.
Genomic context (GRCh38, chr5:149,883,469, plus strand): 5'-TTAACCCCATCCCAACTCACATAACGATTTCCTTCCGTGTCTGCTCCAGCATCATGTACT[G>T]TGTCCACTCCTGTTCACTCTCATATGTCTTAGACTGATCCACGATCTTTTGGAACATCGT-3'
Protein context (NP_000431.2, residues 689-709): KTYESEQEWT[Gln699Lys]YMMLEQTRKE

ClinVar aggregate classification (germline): Uncertain significance. Review status: criteria provided, multiple submitters, no conflicts (2 of 4 stars). 3 submissions from 3 submitters: Uncertain significance (3). Last evaluated 2026-07-14.

Conditions:
PDE6A-related disorder. Also called: PDE6A-related condition.

Allele frequency attached by ClinVar (database versions not stated): gnomAD 0.00001 and 0.00002; TOPMed 0.00002.
gnomAD v4.1: 25 of 1,613,542 alleles (0.0015%); highest among the groups gnomAD compares: Non-Finnish European, 0.002%; no homozygotes.

Submissions (3):

PreventionGenetics, part of Exact Sciences
Classification: Uncertain significance for PDE6A-related condition. Last evaluated: 2026-07-14. Review status: criteria provided, single submitter. Criteria: ACMG Guidelines, 2015. Collection method: clinical testing. Allele origin: germline.
Comment: The PDE6A c.2095C>A variant is predicted to result in the amino acid substitution p.Gln699Lys. To our knowledge, this variant has not been reported in the literature. This variant is reported in 0.0039% of alleles in individuals of European (Non-Finnish) descent in gnomAD. At this time, the clinical significance of this variant is uncertain due to the absence of conclusive functional and genetic evidence.

Blueprint Genetics
Classification: Uncertain significance. Last evaluated: 2022-12-22. Review status: criteria provided, single submitter. Criteria: ACMG Guidelines, 2015. Collection method: clinical testing. Allele origin: germline.

Labcorp Genetics (formerly Invitae), Labcorp
Classification: Uncertain significance. Last evaluated: 2021-10-14. Review status: criteria provided, single submitter. Criteria: Invitae Variant Classification Sherloc (09022015). Collection method: clinical testing. Allele origin: germline.
Comment: This sequence change replaces glutamine with lysine at codon 699 of the PDE6A protein (p.Gln699Lys). The glutamine residue is moderately conserved and there is a small physicochemical difference between glutamine and lysine. This variant is present in population databases (rs781169571, ExAC 0.002%). This variant has not been reported in the literature in individuals affected with PDE6A-related conditions. Algorithms developed to predict the effect of missense changes on protein structure and function (SIFT, PolyPhen-2, Align-GVGD) all suggest that this variant is likely to be tolerated. In summary, the available evidence is currently insufficient to determine the role of this variant in disease. Therefore, it has been classified as a Variant of Uncertain Significance.